The following is an entry in ClinVar:

NM_003108.4(SOX11):c.1035C>T (p.Ser345=)

Gene: SOX11 (SRY-box transcription factor 11; plus strand). Cytogenetic location: 2p25.2.
Variant type: single nucleotide variant.
Coding change: c.1035C>T on transcript NM_003108.4 (MANE Select); coding-DNA position 1035, C replaced by T.
Protein change: p.Ser345=; no amino-acid change (serine 345 retained).
Molecular consequence: synonymous variant.
Genome position (GRCh38, 1-based): chr2:5,693,756, C>T. VCF-style: chr2-5693756-C-T. GRCh37 (hg19) VCF-style: chr2-5833888-C-T.
Identifiers: ClinVar variation 2799545 (VCV002799545.3), dbSNP rs1483782583, ClinGen allele CA424763243.

ClinVar aggregate classification (germline): Uncertain significance (1 of 4 stars; one submission).

Submission:

Labcorp Genetics (formerly Invitae), Labcorp
Classification: Uncertain significance. Last evaluated: 2023-06-17. Review status: criteria provided, single submitter. Criteria: Invitae Variant Classification Sherloc (09022015). Collection method: clinical testing. Allele origin: germline.
Comment: In summary, the available evidence is currently insufficient to determine the role of this variant in disease. Therefore, it has been classified as a Variant of Uncertain Significance. This variant has not been reported in the literature in individuals affected with SOX11-related conditions. This variant is not present in population databases (gnomAD no frequency). This sequence change affects codon 345 of the SOX11 mRNA. It is a 'silent' change, meaning that it does not change the encoded amino acid sequence of the SOX11 protein.